The following is an entry in ClinVar:

NM_000545.8(HNF1A):c.332A>G (p.Asp111Gly)

Gene: HNF1A (HNF1 homeobox A; plus strand). Cytogenetic location: 12q24.31.
Variant type: single nucleotide variant.
Coding change: c.332A>G on transcript NM_000545.8 (MANE Select); coding-DNA position 332, A replaced by G.
Protein change: p.Asp111Gly; replaces aspartic acid 111 with glycine.
Molecular consequence: missense variant.
Genome position (GRCh38, 1-based): chr12:120,988,838, A>G. VCF-style: chr12-120988838-A-G. GRCh37 (hg19) VCF-style: chr12-121426641-A-G.
Other names: NM_001306179.2:c.332A>G; c.332A>G, p.Asp111Gly (NM_001306179.2, NM_001406915.1); short protein forms D111G.
Identifiers: ClinVar variation 2691839 (VCV002691839.3), dbSNP rs2499987402, ClinGen allele CA386958785.

ClinVar aggregate classification (germline): Uncertain significance. Review status: reviewed by expert panel (3 of 4 stars). 2 submissions from 2 submitters: Uncertain significance (1). 1 of the submissions does not count toward it. Last evaluated 2024-01-28.

Conditions:
Monogenic diabetes. Identifiers: Orphanet 183625, MedGen C3888631, MONDO:0015967.

Submissions (2):

ClinGen Monogenic Diabetes Variant Curation Expert Panel
Classification: Uncertain significance for Monogenic diabetes. Last evaluated: 2024-01-28. Review status: reviewed by expert panel. Criteria: ClinGen Diabetes ACMG Specifications HNF1A V2.1.0. Collection method: curation. Allele origin: germline. Inheritance: Autosomal dominant inheritance.
Comment: The c.332A>G variant in the HNF1 homeobox A gene, HNF1A, causes an amino acid change of aspartic acid to glycine at codon 111 (p.(Asp111Gly)) of NM_000545.8. This variant is located within a conserved region of the DNA binding domain (codons 107-174 and 201-280) of HNF1A, which is defined as critical for the protein’s function by the ClinGen MDEP (PM1_Supporting). This variant is predicted to be deleterious by computational evidence, with a REVEL score of 0.985, which is greater than the MDEP VCEP threshold of 0.70 (PP3). This variant is absent from gnomAD v2.1.1 (PM2_Supporting). This variant was identified in an individual(s) with diabetes; however, the calculated MODY probability is <50% and HNF4A was not tested (internal lab contributors). In summary, c.332A>G meets the criteria to be classified as a variant of uncertain significance for monogenic diabetes. ACMG/AMP criteria applied, as specified by the ClinGen MDEP (specification version 2.1.0, approved 8/11/2023): PP3, PM_Supporting, PM2_Supporting.

Labcorp Genetics (formerly Invitae), Labcorp
Classification: Uncertain significance. Last evaluated: 2024-01-27. Review status: criteria provided, single submitter. Criteria: Invitae Variant Classification Sherloc (09022015). Collection method: clinical testing. Allele origin: germline. Not counted in ClinVar's aggregate classification.
Comment: This sequence change replaces aspartic acid, which is acidic and polar, with glycine, which is neutral and non-polar, at codon 111 of the HNF1A protein (p.Asp111Gly). This variant is not present in population databases (gnomAD no frequency). This missense change has been observed in individual(s) with maturity-onset diabetes of the young 3 (MODY3) (PMID: 23348805; Invitae). It has also been observed to segregate with disease in related individuals. Advanced modeling of protein sequence and biophysical properties (such as structural, functional, and spatial information, amino acid conservation, physicochemical variation, residue mobility, and thermodynamic stability) has been performed at Invitae for this missense variant, however the output from this modeling did not meet the statistical confidence thresholds required to predict the impact of this variant on HNF1A protein function. In summary, the available evidence is currently insufficient to determine the role of this variant in disease. Therefore, it has been classified as a Variant of Uncertain Significance.

Literature cited by the submitters: PubMed 23348805 (cited by Labcorp Genetics (formerly Invitae), Labcorp).